The following is an entry in ClinVar:

ClinVar aggregate classification (germline): Pathogenic (1 of 4 stars; one submission).

Conditions:
Spastic paraplegia. Identifiers: MedGen C0037772, HP:0001258.

Allele frequency attached by ClinVar (database versions not stated): gnomAD exomes below 0.00001.
gnomAD v4.1: 1 of 1,614,178 alleles (0.000062%); highest among the groups gnomAD compares: Non-Finnish European, 0.000085%; no homozygotes.

Submission:

Labcorp Genetics (formerly Invitae), Labcorp
Classification: Pathogenic for Spastic paraplegia. Last evaluated: 2020-09-27. Review status: criteria provided, single submitter. Criteria: Invitae Variant Classification Sherloc (09022015). Collection method: clinical testing. Allele origin: germline.
Comment: For these reasons, this variant has been classified as Pathogenic. Loss-of-function variants in ZFYVE26 are known to be pathogenic (PMID: 18394578, 19805727). This variant has not been reported in the literature in individuals with ZFYVE26-related conditions. This variant is not present in population databases (ExAC no frequency). This sequence change creates a premature translational stop signal (p.Gln1382*) in the ZFYVE26 gene. It is expected to result in an absent or disrupted protein product.

Literature cited by the submitters: PubMed 18394578; PubMed 19805727.

NM_015346.4(ZFYVE26):c.4144C>T (p.Gln1382Ter)

Gene: ZFYVE26 (zinc finger FYVE-type containing 26; minus strand). Cytogenetic location: 14q24.1.
Variant type: single nucleotide variant.
Coding change: c.4144C>T on transcript NM_015346.4 (MANE Select); coding-DNA position 4144, C replaced by T.
Protein change: p.Gln1382Ter; replaces glutamine 1382 with a stop codon.
Molecular consequence: nonsense.
Genome position (GRCh38, 1-based): chr14:67,783,008, G>A on the plus strand (C>T on the coding strand, the complement: ZFYVE26 is on the minus strand). VCF-style: chr14-67783008-G-A. GRCh37 (hg19) VCF-style: chr14-68249725-G-A.
Other names: short protein forms Q1382*.
Identifiers: ClinVar variation 1074402 (VCV001074402.7), dbSNP rs1454587963, ClinGen allele CA390170756.
Genomic context (GRCh38, chr14:67,783,008, plus strand): 5'-GGAGAACGGTAGAAAGACTGGCCCAACCACAGAGATTCACTGCCAGACTCTGCCCCTGCT[G>A]CAAAGACCCTCGCAGGGGCTCCCAGGCAGCCAGGAGGAAGGCCTCAAACAGAGGGAATTG-3'